The following is an entry in ClinVar:

ClinVar aggregate classification (germline): Conflicting classifications of pathogenicity. Review status: criteria provided, conflicting classifications (1 of 4 stars). 2 submissions from 2 submitters: Uncertain significance (1); Benign (1). Last evaluated 2022-10-01.

Conditions:
Pseudohypoaldosteronism type 2E (PHA2E). Also called: Pseudohypoaldosteronism Type IIE. Identifiers: Orphanet 300530, Orphanet 757, MedGen C3469606, MONDO:0013782, OMIM 614496.

Allele frequency attached by ClinVar (database versions not stated): 1000 Genomes Project 30x 0.00031; 1000 Genomes Project 0.00040; gnomAD exomes 0.00104; gnomAD 0.00131 and 0.00154; TOPMed 0.00166.
gnomAD v4.1: 303 of 229,668 alleles (0.13%); highest among the groups gnomAD compares: Admixed American, 0.59%; no homozygotes.

Submissions (2):

CeGaT Center for Human Genetics Tuebingen
Classification: Benign. Last evaluated: 2022-10-01. Review status: criteria provided, single submitter. Criteria: CeGaT Center For Human Genetics Tuebingen Variant Classification Criteria Version 2. Collection method: clinical testing. Allele origin: germline. Affected: yes. Observed: 2 variant alleles.
Comment: CUL3: BS1, BS2

Illumina Laboratory Services, Illumina
Classification: Uncertain significance for Pseudohypoaldosteronism type 2E. Last evaluated: 2018-01-13. Review status: criteria provided, single submitter. Criteria: ICSL Variant Classification Criteria 13 December 2019. Collection method: clinical testing. Allele origin: germline.

NM_003590.5(CUL3):c.*2130A>G

Gene: CUL3 (cullin 3; minus strand). Cytogenetic location: 2q36.2.
Variant type: single nucleotide variant.
Coding change: c.*2130A>G on transcript NM_003590.5 (MANE Select); 2130 bases downstream of the stop codon, A replaced by G.
Molecular consequence: 3 prime UTR variant.
Genome position (GRCh38, 1-based): chr2:224,472,115, T>C on the plus strand (A>G on the coding strand, the complement: CUL3 is on the minus strand). VCF-style: chr2-224472115-T-C. GRCh37 (hg19) VCF-style: chr2-225336832-T-C.
Other names: c.*2130A>G (NM_001257197.2, NM_001257198.2).
Identifiers: ClinVar variation 334603 (VCV000334603.37), dbSNP rs555995940, ClinGen allele CA10612590.